The following is an entry in ClinVar:

NM_152383.5(DIS3L2):c.2205G>T (p.Gln735His)

Gene: DIS3L2 (DIS3 like 3'-5' exoribonuclease 2; plus strand). Cytogenetic location: 2q37.1.
Variant type: single nucleotide variant.
Coding change: c.2205G>T on transcript NM_152383.5 (MANE Select); coding-DNA position 2205, G replaced by T.
Protein change: p.Gln735His; replaces glutamine 735 with histidine.
Molecular consequence: missense variant. On other transcripts: non-coding transcript variant (2), intron variant (1).
Genome position (GRCh38, 1-based): chr2:232,334,415, G>T. VCF-style: chr2-232334415-G-T. GRCh37 (hg19) VCF-style: chr2-233199125-G-T.
Other names: c.1582-8930G>T (NM_001257281.2); short protein forms Q735H.
Identifiers: ClinVar variation 1378395 (VCV001378395.8), dbSNP rs549582540, ClinGen allele CA350977706.
Genomic context (GRCh38, chr2:232,334,415, plus strand): 5'-CCCCCTCTTCCCAGGCTATAGGGAGCGACTAGACATGGCGCCCGATACCCTGCAGAAACA[G>T]GCGGACCACTGTAACGACCGCCGCATGGCGTCCAAGCGCGTGCAGGAGCTCAGTACCAGT-3'
Protein context (NP_689596.4, residues 725-745): LDMAPDTLQK[Gln735His]ADHCNDRRMA

ClinVar aggregate classification (germline): Uncertain significance (1 of 4 stars; one submission).

Conditions:
Perlman syndrome (PRLMNS). Identifiers: Orphanet 2849, MedGen C0796113, MONDO:0009965, OMIM 267000.

Submission:

Labcorp Genetics (formerly Invitae), Labcorp
Classification: Uncertain significance for Perlman syndrome. Last evaluated: 2021-01-13. Review status: criteria provided, single submitter. Criteria: Invitae Variant Classification Sherloc (09022015). Collection method: clinical testing. Allele origin: germline.
Comment: This sequence change replaces glutamine with histidine at codon 735 of the DIS3L2 protein (p.Gln735His). The glutamine residue is moderately conserved and there is a small physicochemical difference between glutamine and histidine. In summary, the available evidence is currently insufficient to determine the role of this variant in disease. Therefore, it has been classified as a Variant of Uncertain Significance. Algorithms developed to predict the effect of missense changes on protein structure and function are either unavailable or do not agree on the potential impact of this missense change (SIFT: "Deleterious"; PolyPhen-2: "Possibly Damaging"; Align-GVGD: "Class C0"). This variant has not been reported in the literature in individuals with DIS3L2-related conditions. This variant is not present in population databases (ExAC no frequency).